The following is an entry in ClinVar:

ClinVar aggregate classification (germline): Uncertain significance (1 of 4 stars; one submission).

Submission:

Labcorp Genetics (formerly Invitae), Labcorp
Classification: Uncertain significance. Last evaluated: 2025-07-27. Review status: criteria provided, single submitter. Criteria: Invitae Variant Classification Sherloc (09022015). Collection method: clinical testing. Allele origin: germline.
Comment: This sequence change falls in intron 2 of the IGF1R gene. It does not directly change the encoded amino acid sequence of the IGF1R protein. Information on the frequency of this variant in the gnomAD database is not available, as this variant may be reported differently in the database. This variant has not been reported in the literature in individuals affected with IGF1R-related conditions. Experimental studies and prediction algorithms are not available or were not evaluated, and the effect of this variant on mRNA splicing is currently unknown. In summary, the available evidence is currently insufficient to determine the role of this variant in disease. Therefore, it has been classified as a Variant of Uncertain Significance.

NM_000875.5(IGF1R):c.640+19_640+20delinsAT

Gene: IGF1R (insulin like growth factor 1 receptor; plus strand). Cytogenetic location: 15q26.3.
Variant type: Indel.
Coding change: c.640+19_640+20delinsAT on transcript NM_000875.5 (MANE Select); bases 19 to 20 of the intron after coding-DNA position 640, GC replaced by AT.
Molecular consequence: intron variant.
Genome position (GRCh38, 1-based): chr15:98,708,126-98,708,127, GC replaced by AT. VCF-style: chr15-98708126-GC-AT. GRCh37 (hg19) VCF-style: chr15-99251355-GC-AT.
Other names: c.640+19_640+20delinsAT (NM_001291858.2).
Identifiers: ClinVar variation 4724033 (VCV004724033.1).